The following is an entry in ClinVar:

NM_001081550.2(THOC2):c.3337G>A (p.Glu1113Lys)

Gene: THOC2 (THO complex subunit 2; minus strand). Cytogenetic location: Xq25.
Variant type: single nucleotide variant.
Coding change: c.3337G>A on transcript NM_001081550.2 (MANE Select); coding-DNA position 3337, G replaced by A.
Protein change: p.Glu1113Lys; replaces glutamic acid 1113 with lysine.
Molecular consequence: missense variant.
Genome position (GRCh38, 1-based): chrX:123,623,953, C>T on the plus strand (G>A on the coding strand, the complement: THOC2 is on the minus strand). VCF-style: chrX-123623953-C-T. GRCh37 (hg19) VCF-style: chrX-122757804-C-T.
Other names: short protein forms E1113K.
Identifiers: ClinVar variation 3367378 (VCV003367378.1).

ClinVar aggregate classification (germline): Uncertain significance (1 of 4 stars; one submission).

Submission:

GeneDx
Classification: Uncertain significance. Last evaluated: 2024-01-04. Review status: criteria provided, single submitter. Criteria: GeneDx Variant Classification Process June 2021. Collection method: clinical testing. Allele origin: germline. Affected: yes.
Comment: Not observed at significant frequency in large population cohorts (gnomAD); In silico analysis supports that this missense variant has a deleterious effect on protein structure/function; Has not been previously published as pathogenic or benign to our knowledge